The following is an entry in ClinVar:

ClinVar aggregate classification (germline): Uncertain significance (1 of 4 stars; one submission).

Conditions:
Melanoma, cutaneous malignant, susceptibility to, 8. Also called: Cutaneous malignant melanoma 8; MELANOMA AND RENAL CELL CARCINOMA, SUSCEPTIBILITY TO. Identifiers: Orphanet 293822, MedGen C3152204, MONDO:0013759, OMIM 614456.
Tietz syndrome (TADS). Also called: HYPOPIGMENTATION/DEAFNESS OF TIETZ; TIETZ ALBINISM-DEAFNESS SYNDROME; ALBINISM-DEAFNESS OF TIETZ. Identifiers: Orphanet 42665, MedGen C0391816, MONDO:0007077, OMIM 103500.
Waardenburg syndrome type 2A (WS2A). Also called: WAARDENBURG SYNDROME WITHOUT DYSTOPIA CANTHORUM. Identifiers: Orphanet 3440, MedGen C1860339, MONDO:0008671, OMIM 193510.

gnomAD v4.1: 1 of 1,590,142 alleles (0.000063%); highest among the groups gnomAD compares: Non-Finnish European, 0.000086%; no homozygotes.

Submission:

Labcorp Genetics (formerly Invitae), Labcorp
Classification: Uncertain significance for Melanoma, cutaneous malignant, susceptibility to, 8; Waardenburg syndrome type 2A; Tietz syndrome. Last evaluated: 2025-03-07. Review status: criteria provided, single submitter. Criteria: Invitae Variant Classification Sherloc (09022015). Collection method: clinical testing. Allele origin: germline.
Comment: This sequence change falls in intron 4 of the MITF gene. It does not directly change the encoded amino acid sequence of the MITF protein. It affects a nucleotide within the consensus splice site. This variant is not present in population databases (gnomAD no frequency). This variant has not been reported in the literature in individuals affected with MITF-related conditions. Variants that disrupt the consensus splice site are a relatively common cause of aberrant splicing (PMID: 17576681, 9536098). Algorithms developed to predict the effect of sequence changes on RNA splicing suggest that this variant is not likely to affect RNA splicing. In summary, the available evidence is currently insufficient to determine the role of this variant in disease. Therefore, it has been classified as a Variant of Uncertain Significance.

Literature cited by the submitters: PubMed 17576681; PubMed 9536098.

NM_001354604.2(MITF):c.762+6G>A

Gene: MITF (melanocyte inducing transcription factor; plus strand). Cytogenetic location: 3p13.
Variant type: single nucleotide variant.
Coding change: c.762+6G>A on transcript NM_001354604.2 (MANE Select); 6 bases into the intron after coding-DNA position 762, G replaced by A.
Molecular consequence: intron variant.
Genome position (GRCh38, 1-based): chr3:69,941,337, G>A. VCF-style: chr3-69941337-G-A. GRCh37 (hg19) VCF-style: chr3-69990488-G-A.
Other names: c.711+6G>A (NM_001354607.2); c.606+6G>A (NM_001354608.2, NM_001184967.2); c.762+6G>A (NM_198159.3); c.759+6G>A (NM_001354605.2, NM_001354606.2, NM_006722.3); c.714+6G>A (NM_198177.3); c.441+6G>A (NM_000248.4, NM_198158.3); c.273+6G>A (NM_198178.3).
Identifiers: ClinVar variation 3749186 (VCV003749186.2).
Genomic context (GRCh38, chr3:69,941,337, plus strand): 5'-TTATAATGAGGAAATCTTGGGCTTGATGGATCCTGCTTTGCAAATGGCAAATACGGTATT[G>A]ATAACCTTTTTTTAAGTAGAAAATCTTGAGGTGTTTCCAGGGTTCTTTTCTTTTTTCTTA-3'